The following is an entry in ClinVar:

NM_170606.3(KMT2C):c.1829_1830del (p.Thr610fs)

Gene: KMT2C (lysine methyltransferase 2C; minus strand). Cytogenetic location: 7q36.1.
Variant type: Deletion.
Coding change: c.1829_1830del on transcript NM_170606.3 (MANE Select); coding-DNA positions 1829 to 1830, 2 bases deleted (CA; older notation c.1829_1830delCA).
Protein change: p.Thr610fs; shifts the reading frame from threonine 610.
Molecular consequence: frameshift variant.
Genome position (GRCh38, 1-based): chr7:152,248,604-152,248,605, TG deleted on the plus strand (CA on the coding strand, the reverse complement: KMT2C is on the minus strand); deleting any 2 consecutive bases within chr7:152,248,604-152,248,606 gives the same sequence; the c. name uses the placement nearest the transcript's 3' end. VCF-style (leftmost placement, unchanged base first): chr7-152248603-CTG-C. GRCh37 (hg19) VCF-style: chr7-151945688-CTG-C.
Other names: c.1829_1830delCA (NM_170606.3); short protein forms T610fs.
Identifiers: ClinVar variation 817245 (VCV000817245.16), dbSNP rs1588573059, ClinGen allele CA915945593.
Genomic context (GRCh38, chr7:152,248,603, plus strand): 5'-ACATTTTCAGGTCTTCACTATCAACTTCATTAGAAATCTGTTTTTCCAATTCAGTATTCA[CTG>C]TATGTTGGGATGATACTACAAAATTCAGAACATTTGTTATGGCAATGTACAAACAAATTT-3'

ClinVar aggregate classification (germline): Pathogenic. Review status: criteria provided, multiple submitters, no conflicts (2 of 4 stars). 2 submissions from 2 submitters: Pathogenic (2). Last evaluated 2022-08-29.

Conditions:
Kleefstra syndrome 2 (KLEFS2). Identifiers: MedGen C4540395, MONDO:0054701, OMIM 617768.

Submissions (2):

Institute of Human Genetics, University of Leipzig Medical Center
Classification: Pathogenic for Kleefstra syndrome 2. Last evaluated: 2022-08-29. Review status: criteria provided, single submitter. Criteria: ACMG Guidelines, 2015. Collection method: clinical testing. Allele origin: de novo. Affected: yes.
Comment: This variant was identified as de novo (maternity and paternity confirmed)._x000D_ Criteria applied: PVS1, PM2_SUP, PS4_SUP, PS2_MOD

GeneDx
Classification: Pathogenic. Last evaluated: 2018-09-17. Review status: criteria provided, single submitter. Criteria: GeneDx Variant Classification (06012015). Collection method: clinical testing. Allele origin: germline. Affected: yes.
Comment: The c.1829_1830delCA pathogenic variant in the KMT2C gene has not been published as a pathogenic variant, nor has it been reported as a benign variant to our knowledge. This variant causes a frameshift starting with codon Threonine 610, changes this amino acid to a Serine residue and creates a premature Stop codon at position 4 of the new reading frame, denoted p.Thr610SerfsX4. This pathogenic variant is predicted to cause loss of normal protein function either through protein truncation or nonsense-mediated mRNA decay. Furthermore, the c.1829_1830delCA variant is not observed in large population cohorts (Lek et al., 2016). Therefore, we interpret c.1829_1830delCA as a pathogenic variant.